The following is an entry in ClinVar:

ClinVar aggregate classification (germline): Uncertain significance. Review status: criteria provided, multiple submitters, no conflicts (2 of 4 stars). 2 submissions from 2 submitters: Uncertain significance (2). Last evaluated 2025-11-24.

Conditions:
Cardiomyopathy (CMYO). Also called: Cardiomyopathies. Identifiers: Orphanet 167848, MedGen C0878544, MONDO:0004994, HP:0001638. Inheritance: Various modes of inheritance.
Hypertrophic cardiomyopathy. Also called: HYPERTROPHIC MYOCARDIOPATHY. Identifiers: Orphanet 217569, MedGen C0007194, MeSH D002312, MONDO:0005045, HP:0001639.

gnomAD v4.1: 14 of 1,609,602 alleles (0.00087%); highest among the groups gnomAD compares: Non-Finnish European, 0.00093%; no homozygotes.

Submissions (2):

Labcorp Genetics (formerly Invitae), Labcorp
Classification: Uncertain significance for Hypertrophic cardiomyopathy. Last evaluated: 2025-11-24. Review status: criteria provided, single submitter. Criteria: Invitae Variant Classification Sherloc (09022015). Collection method: clinical testing. Allele origin: germline.
Comment: This sequence change replaces alanine, which is neutral and non-polar, with threonine, which is neutral and polar, at codon 1034 of the MYBPC3 protein (p.Ala1034Thr). The frequency data for this variant in the population databases is considered unreliable, as metrics indicate poor data quality at this position in the gnomAD database. This variant has not been reported in the literature in individuals affected with MYBPC3-related conditions. An algorithm developed to predict the effect of missense changes on protein structure and function outputs the following: PolyPhen-2: "Benign". The threonine amino acid residue is found in multiple mammalian species, which suggests that this missense change does not adversely affect protein function. In summary, the available evidence is currently insufficient to determine the role of this variant in disease. Therefore, it has been classified as a Variant of Uncertain Significance.

Color Diagnostics, LLC DBA Color Health
Classification: Uncertain significance for Cardiomyopathy. Last evaluated: 2025-08-04. Review status: criteria provided, single submitter. Criteria: ACMG Guidelines, 2015. Collection method: clinical testing. Allele origin: germline.
Comment: This missense variant replaces alanine with threonine at codon 1034 of the MYBPC3 protein. Computational prediction suggests that this variant may not impact protein structure and function. To our knowledge, functional studies have not been reported for this variant. This variant has not been reported in individuals affected with MYBPC3-related disorders in the literature. This variant has been identified in 1/246090 chromosomes in the general population by the Genome Aggregation Database (gnomAD). The available evidence is insufficient to determine the role of this variant in disease conclusively. Therefore, this variant is classified as a Variant of Uncertain Significance.

NM_000256.3(MYBPC3):c.3100G>A (p.Ala1034Thr)

Gene: MYBPC3 (myosin binding protein C3; minus strand). Cytogenetic location: 11p11.2.
Variant type: single nucleotide variant.
Coding change: c.3100G>A on transcript NM_000256.3 (MANE Select); coding-DNA position 3100, G replaced by A.
Protein change: p.Ala1034Thr; replaces alanine 1034 with threonine.
Molecular consequence: missense variant.
Genome position (GRCh38, 1-based): chr11:47,333,647, C>T on the plus strand (G>A on the coding strand, the complement: MYBPC3 is on the minus strand). VCF-style: chr11-47333647-C-T. GRCh37 (hg19) VCF-style: chr11-47355198-C-T.
Other names: short protein forms A1034T.
Identifiers: ClinVar variation 4716319 (VCV004716319.1).
Genomic context (GRCh38, chr11:47,333,647, plus strand): 5'-CCTCCATGTTCTCAATGCGCACCGTCACCTGGTAAGTGCCTGAATGCACGCGGCGAGCGG[C>T]CCGGATGAACAGGATGGTGTCTGTGGGGCTGTTGCGGATGCTCACCTCCTCGCCTGCCAG-3'
Protein context (NP_000247.2, residues 1024-1044): SPTDTILFIR[Ala1034Thr]ARRVHSGTYQ